The following is an entry in ClinVar:

NM_001134363.3(RBM20):c.2161G>A (p.Ala721Thr)

Gene: RBM20 (RNA binding motif protein 20; plus strand). Cytogenetic location: 10q25.2.
Variant type: single nucleotide variant.
Coding change: c.2161G>A on transcript NM_001134363.3 (MANE Select); coding-DNA position 2161, G replaced by A.
Protein change: p.Ala721Thr; replaces alanine 721 with threonine.
Molecular consequence: missense variant.
Genome position (GRCh38, 1-based): chr10:110,812,558, G>A. VCF-style: chr10-110812558-G-A. GRCh37 (hg19) VCF-style: chr10-112572316-G-A.
Other names: c.2161G>A (NM_001134363.1); short protein forms A721T.
Identifiers: ClinVar variation 951560 (VCV000951560.10), dbSNP rs876657976, ClinGen allele CA378372287.

ClinVar aggregate classification (germline): Uncertain significance. Review status: criteria provided, multiple submitters, no conflicts (2 of 4 stars). 4 submissions from 4 submitters: Uncertain significance (4). Last evaluated 2025-02-19.

Conditions:
Dilated cardiomyopathy 1DD (CMD1DD). Identifiers: Orphanet 154, MedGen C2750995, MONDO:0013168, OMIM 613172.
Cardiovascular phenotype. Identifiers: MedGen CN230736.

gnomAD v4.1: 6 of 1,551,778 alleles (0.00039%); highest among the groups gnomAD compares: South Asian, 0.0012%; no homozygotes.

Submissions (4):

Labcorp Genetics (formerly Invitae), Labcorp
Classification: Uncertain significance for Dilated cardiomyopathy 1DD. Last evaluated: 2025-02-19. Review status: criteria provided, single submitter. Criteria: Invitae Variant Classification Sherloc (09022015). Collection method: clinical testing. Allele origin: germline.
Comment: This sequence change replaces alanine, which is neutral and non-polar, with threonine, which is neutral and polar, at codon 721 of the RBM20 protein (p.Ala721Thr). This variant is not present in population databases (gnomAD no frequency). This variant has not been reported in the literature in individuals affected with RBM20-related conditions. ClinVar contains an entry for this variant (Variation ID: 951560). Invitae Evidence Modeling of protein sequence and biophysical properties (such as structural, functional, and spatial information, amino acid conservation, physicochemical variation, residue mobility, and thermodynamic stability) indicates that this missense variant is not expected to disrupt RBM20 protein function with a negative predictive value of 95%. In summary, the available evidence is currently insufficient to determine the role of this variant in disease. Therefore, it has been classified as a Variant of Uncertain Significance.

Ambry Genetics
Classification: Uncertain significance for Cardiovascular phenotype. Last evaluated: 2023-10-02. Review status: criteria provided, single submitter. Criteria: Ambry Variant Classification Scheme 2023. Collection method: clinical testing. Allele origin: germline.
Comment: The p.A721T variant (also known as c.2161G>A), located in coding exon 9 of the RBM20 gene, results from a G to A substitution at nucleotide position 2161. The alanine at codon 721 is replaced by threonine, an amino acid with similar properties. This amino acid position is conserved. In addition, this alteration is predicted to be tolerated by in silico analysis. Since supporting evidence is limited at this time, the clinical significance of this alteration remains unclear.

ARUP Laboratories, Molecular Genetics and Genomics, ARUP Laboratories
Classification: Uncertain significance for Dilated cardiomyopathy 1DD. Last evaluated: 2023-03-28. Review status: criteria provided, single submitter. Criteria: ARUP Molecular Germline Variant Investigation Process 2024. Collection method: clinical testing. Allele origin: germline.
Comment: The RBM20 c.2161G>A; p.Ala721Thr variant (rs876657976), to our knowledge, is not reported in the medical literature but is reported in ClinVar (Variation ID: 951560). This variant is absent from the Genome Aggregation Database, indicating it is not a common polymorphism. Computational analyses are uncertain whether this variant is neutral or deleterious (REVEL: 0.152). Due to limited information, the clinical significance of this variant is uncertain at this time.

Fulgent Genetics
Classification: Uncertain significance for Dilated cardiomyopathy 1DD. Last evaluated: 2021-08-24. Review status: criteria provided, single submitter. Criteria: ACMG Guidelines, 2015. Collection method: clinical testing. Allele origin: unknown.